The following is an entry in ClinVar:

NM_174889.5(NDUFAF2):c.94T>C (p.Tyr32His)

Gene: NDUFAF2 (NADH:ubiquinone oxidoreductase complex assembly factor 2; plus strand). Cytogenetic location: 5q12.1.
Variant type: single nucleotide variant.
Coding change: c.94T>C on transcript NM_174889.5 (MANE Select); coding-DNA position 94, T replaced by C.
Protein change: p.Tyr32His; replaces tyrosine 32 with histidine.
Molecular consequence: missense variant.
Genome position (GRCh38, 1-based): chr5:60,945,349, T>C. VCF-style: chr5-60945349-T-C. GRCh37 (hg19) VCF-style: chr5-60241176-T-C.
Other names: short protein forms Y32H.
Identifiers: ClinVar variation 2199961 (VCV002199961.3), dbSNP rs1040183033, ClinGen allele CA359935651.

ClinVar aggregate classification (germline): Uncertain significance (1 of 4 stars; one submission).

Submission:

Labcorp Genetics (formerly Invitae), Labcorp
Classification: Uncertain significance. Last evaluated: 2024-10-21. Review status: criteria provided, single submitter. Criteria: Invitae Variant Classification Sherloc (09022015). Collection method: clinical testing. Allele origin: germline.
Comment: This sequence change replaces tyrosine, which is neutral and polar, with histidine, which is basic and polar, at codon 32 of the NDUFAF2 protein (p.Tyr32His). This variant is present in population databases (no rsID available, gnomAD 0.006%). This variant has not been reported in the literature in individuals affected with NDUFAF2-related conditions. ClinVar contains an entry for this variant (Variation ID: 2199961). An algorithm developed to predict the effect of missense changes on protein structure and function (PolyPhen-2) suggests that this variant is likely to be disruptive. In summary, the available evidence is currently insufficient to determine the role of this variant in disease. Therefore, it has been classified as a Variant of Uncertain Significance.